The following is an entry in ClinVar:

NM_005045.4(RELN):c.1550A>G (p.Tyr517Cys)

Gene: RELN (reelin; minus strand). Cytogenetic location: 7q22.1.
Variant type: single nucleotide variant.
Coding change: c.1550A>G on transcript NM_005045.4 (MANE Select); coding-DNA position 1550, A replaced by G.
Protein change: p.Tyr517Cys; replaces tyrosine 517 with cysteine.
Molecular consequence: missense variant.
Genome position (GRCh38, 1-based): chr7:103,654,097, T>C on the plus strand (A>G on the coding strand, the complement: RELN is on the minus strand). VCF-style: chr7-103654097-T-C. GRCh37 (hg19) VCF-style: chr7-103294544-T-C.
Other names: c.1550A>G, p.Tyr517Cys (NM_173054.3); short protein forms Y517C.
Identifiers: ClinVar variation 3749125 (VCV003749125.2).

ClinVar aggregate classification (germline): Uncertain significance (1 of 4 stars; one submission).

Conditions:
Norman-Roberts syndrome (LIS2). Also called: Lissencephaly 2 (Norman-Roberts type). Identifiers: Orphanet 89844, MedGen C0796089, MONDO:0009760, OMIM 257320.
Familial temporal lobe epilepsy 7. Identifiers: Orphanet 101046, MedGen C4225327, MONDO:0014639, OMIM 616436.

gnomAD v4.1: 4 of 1,549,032 alleles (0.00026%); highest among the groups gnomAD compares: Admixed American, 0.0017%; no homozygotes.

Submission:

Labcorp Genetics (formerly Invitae), Labcorp
Classification: Uncertain significance for Familial temporal lobe epilepsy 7; Norman-Roberts syndrome. Last evaluated: 2025-09-10. Review status: criteria provided, single submitter. Criteria: Invitae Variant Classification Sherloc (09022015). Collection method: clinical testing. Allele origin: germline.
Comment: This sequence change replaces tyrosine, which is neutral and polar, with cysteine, which is neutral and slightly polar, at codon 517 of the RELN protein (p.Tyr517Cys). This variant is present in population databases (rs750093812, gnomAD 0.003%). This variant has not been reported in the literature in individuals affected with RELN-related conditions. ClinVar contains an entry for this variant (Variation ID: 3749125). Invitae Evidence Modeling of protein sequence and biophysical properties (such as structural, functional, and spatial information, amino acid conservation, physicochemical variation, residue mobility, and thermodynamic stability) indicates that this missense variant is not expected to disrupt RELN protein function with a negative predictive value of 80%. Algorithms developed to predict the effect of sequence changes on RNA splicing suggest that this variant may disrupt the consensus splice site. In summary, the available evidence is currently insufficient to determine the role of this variant in disease. Therefore, it has been classified as a Variant of Uncertain Significance.